The following is an entry in ClinVar:

ClinVar aggregate classification (germline): Uncertain significance (1 of 4 stars; one submission).

Conditions:
Granulomatous disease, chronic, autosomal recessive, cytochrome b-positive, type 3. Also called: GRANULOMATOUS DISEASE, CHRONIC, DUE TO NCF4 DEFICIENCY; Granulomatous disease, chronic, autosomal recessive, cytochrome b-positive, type III; GRANULOMATOUS DISEASE, CHRONIC, AUTOSOMAL RECESSIVE, 3; CGD, AUTOSOMAL RECESSIVE CYTOCHROME b-POSITIVE, TYPE III. Identifiers: Orphanet 379, MedGen C3151409, MONDO:0013507, OMIM 613960.

Submission:

Labcorp Genetics (formerly Invitae), Labcorp
Classification: Uncertain significance for Granulomatous disease, chronic, autosomal recessive, cytochrome b-positive, type 3. Last evaluated: 2020-03-23. Review status: criteria provided, single submitter. Criteria: Invitae Variant Classification Sherloc (09022015). Collection method: clinical testing. Allele origin: germline.
Comment: In summary, the available evidence is currently insufficient to determine the role of this variant in disease. Therefore, it has been classified as a Variant of Uncertain Significance. Algorithms developed to predict the effect of missense changes on protein structure and function are either unavailable or do not agree on the potential impact of this missense change (SIFT: "Deleterious"; PolyPhen-2: "Probably Damaging"; Align-GVGD: "Class C0"). This variant has not been reported in the literature in individuals with NCF4-related conditions. This variant is not present in population databases (ExAC no frequency). This sequence change replaces leucine with valine at codon 86 of the NCF4 protein (p.Leu86Val). The leucine residue is highly conserved and there is a small physicochemical difference between leucine and valine.

NM_000631.5(NCF4):c.256C>G (p.Leu86Val)

Genes: NCF4 (neutrophil cytosolic factor 4; plus strand), NCF4-AS1 (NCF4 antisense RNA 1; minus strand). Cytogenetic location: 22q12.3.
Variant type: single nucleotide variant.
Coding change: c.256C>G on transcript NM_000631.5 (MANE Select); coding-DNA position 256, C replaced by G.
Protein change: p.Leu86Val; replaces leucine 86 with valine.
Molecular consequence: missense variant.
Genome position (GRCh38, 1-based): chr22:36,865,057, C>G. VCF-style: chr22-36865057-C-G. GRCh37 (hg19) VCF-style: chr22-37261099-C-G.
Other names: c.256C>G, p.Leu86Val (NM_013416.4); short protein forms L86V.
Identifiers: ClinVar variation 1004127 (VCV001004127.9), dbSNP rs1939893335, ClinGen allele CA411379466.